The following is an entry in ClinVar:

ClinVar aggregate classification (germline): Uncertain significance (1 of 4 stars; one submission).

Allele frequency attached by ClinVar (database versions not stated): ExAC 0.00001.
gnomAD v4.1: 2 of 1,614,010 alleles (0.00012%); highest among the groups gnomAD compares: Admixed American, 0.0017%; no homozygotes.

Submission:

Labcorp Genetics (formerly Invitae), Labcorp
Classification: Uncertain significance. Last evaluated: 2025-09-02. Review status: criteria provided, single submitter. Criteria: Invitae Variant Classification Sherloc (09022015). Collection method: clinical testing. Allele origin: germline.
Comment: This sequence change replaces arginine, which is basic and polar, with leucine, which is neutral and non-polar, at codon 77 of the COX6B1 protein (p.Arg77Leu). This variant is present in population databases (rs778559323, gnomAD 0.003%). This variant has not been reported in the literature in individuals affected with COX6B1-related conditions. ClinVar contains an entry for this variant (Variation ID: 1957515). An algorithm developed to predict the effect of missense changes on protein structure and function (PolyPhen-2) suggests that this variant is likely to be tolerated. In summary, the available evidence is currently insufficient to determine the role of this variant in disease. Therefore, it has been classified as a Variant of Uncertain Significance.

NM_001863.5(COX6B1):c.230G>T (p.Arg77Leu)

Gene: COX6B1 (cytochrome c oxidase subunit 6B1; plus strand). Cytogenetic location: 19q13.12.
Variant type: single nucleotide variant.
Coding change: c.230G>T on transcript NM_001863.5 (MANE Select); coding-DNA position 230, G replaced by T.
Protein change: p.Arg77Leu; replaces arginine 77 with leucine.
Molecular consequence: missense variant.
Genome position (GRCh38, 1-based): chr19:35,658,616, G>T. VCF-style: chr19-35658616-G-T. GRCh37 (hg19) VCF-style: chr19-36149518-G-T.
Other names: short protein forms R77L.
Identifiers: ClinVar variation 1957515 (VCV001957515.5), dbSNP rs778559323, ClinGen allele CA9383187.